The following is an entry in ClinVar:

NM_006506.5(RASA2):c.437A>G (p.Asn146Ser)

Gene: RASA2 (RAS p21 protein activator 2; plus strand). Cytogenetic location: 3q23.
Variant type: single nucleotide variant.
Coding change: c.437A>G on transcript NM_006506.5 (MANE Select); coding-DNA position 437, A replaced by G.
Protein change: p.Asn146Ser; replaces asparagine 146 with serine.
Molecular consequence: missense variant.
Genome position (GRCh38, 1-based): chr3:141,529,789, A>G. VCF-style: chr3-141529789-A-G. GRCh37 (hg19) VCF-style: chr3-141248631-A-G.
Other names: c.437A>G, p.Asn146Ser (NM_001303245.3, NM_001303246.3); short protein forms N146S.
Identifiers: ClinVar variation 1740132 (VCV001740132.5), dbSNP rs201049693, ClinGen allele CA2645187.

ClinVar aggregate classification (germline): Uncertain significance. Review status: criteria provided, multiple submitters, no conflicts (2 of 4 stars). 2 submissions from 2 submitters: Uncertain significance (2). Last evaluated 2025-04-24.

Allele frequency attached by ClinVar (database versions not stated): gnomAD 0.00001; gnomAD exomes 0.00001; TOPMed 0.00001; ExAC 0.00002; 1000 Genomes Project 30x 0.00016; 1000 Genomes Project 0.00020.
gnomAD v4.1: 21 of 1,604,896 alleles (0.0013%); highest among the groups gnomAD compares: Non-Finnish European, 0.0015%; no homozygotes.

Submissions (2):

Ambry Genetics
Classification: Uncertain significance. Last evaluated: 2025-04-24. Review status: criteria provided, single submitter. Criteria: Ambry Variant Classification Scheme 2023. Collection method: clinical testing. Allele origin: germline.
Comment: The p.N146S variant (also known as c.437A>G), located in coding exon 4 of the RASA2 gene, results from an A to G substitution at nucleotide position 437. The asparagine at codon 146 is replaced by serine, an amino acid with highly similar properties. This amino acid position is conserved. In addition, this alteration is predicted to be tolerated by in silico analysis. Since supporting evidence is limited at this time, the clinical significance of this alteration remains unclear.

Labcorp Genetics (formerly Invitae), Labcorp
Classification: Uncertain significance. Last evaluated: 2024-02-07. Review status: criteria provided, single submitter. Criteria: Invitae Variant Classification Sherloc (09022015). Collection method: clinical testing. Allele origin: germline.
Comment: This sequence change replaces asparagine, which is neutral and polar, with serine, which is neutral and polar, at codon 146 of the RASA2 protein (p.Asn146Ser). This variant is present in population databases (rs201049693, gnomAD 0.002%). This variant has not been reported in the literature in individuals affected with RASA2-related conditions. ClinVar contains an entry for this variant (Variation ID: 1740132). Advanced modeling of protein sequence and biophysical properties (such as structural, functional, and spatial information, amino acid conservation, physicochemical variation, residue mobility, and thermodynamic stability) performed at Invitae indicates that this missense variant is not expected to disrupt RASA2 protein function with a negative predictive value of 80%. In summary, the available evidence is currently insufficient to determine the role of this variant in disease. Therefore, it has been classified as a Variant of Uncertain Significance.